The following is an entry in ClinVar:

ClinVar aggregate classification (germline): Uncertain significance. Review status: criteria provided, multiple submitters, no conflicts (2 of 4 stars). 2 submissions from 2 submitters: Uncertain significance (2). Last evaluated 2024-10-20.

Allele frequency attached by ClinVar (database versions not stated): gnomAD exomes 0.00001; ExAC 0.00002; gnomAD 0.00006; TOPMed 0.00006; ESP Exome Variant Server 0.00015.
gnomAD v4.1: 26 of 1,612,628 alleles (0.0016%); highest among the groups gnomAD compares: African/African-American, 0.013%; no homozygotes.

Submissions (2):

Ambry Genetics
Classification: Uncertain significance. Last evaluated: 2024-10-20. Review status: criteria provided, single submitter. Criteria: Ambry Variant Classification Scheme 2023. Collection method: clinical testing. Allele origin: germline.

Labcorp Genetics (formerly Invitae), Labcorp
Classification: Uncertain significance. Last evaluated: 2023-08-17. Review status: criteria provided, single submitter. Criteria: Invitae Variant Classification Sherloc (09022015). Collection method: clinical testing. Allele origin: germline.
Comment: This variant is present in population databases (rs375733884, gnomAD 0.02%). This variant has not been reported in the literature in individuals affected with FCHO1-related conditions. ClinVar contains an entry for this variant (Variation ID: 1435263). An algorithm developed to predict the effect of missense changes on protein structure and function (PolyPhen-2) suggests that this variant is likely to be disruptive. In summary, the available evidence is currently insufficient to determine the role of this variant in disease. Therefore, it has been classified as a Variant of Uncertain Significance. This sequence change replaces arginine, which is basic and polar, with glutamine, which is neutral and polar, at codon 815 of the FCHO1 protein (p.Arg815Gln).

NM_015122.3(FCHO1):c.2444G>A (p.Arg815Gln)

Gene: FCHO1 (FCH and mu domain containing endocytic adaptor 1; plus strand). Cytogenetic location: 19p13.11.
Variant type: single nucleotide variant.
Coding change: c.2444G>A on transcript NM_015122.3 (MANE Select); coding-DNA position 2444, G replaced by A.
Protein change: p.Arg815Gln; replaces arginine 815 with glutamine.
Molecular consequence: missense variant. On other transcripts: synonymous variant (3), non-coding transcript variant (36).
Genome position (GRCh38, 1-based): chr19:17,786,591, G>A. VCF-style: chr19-17786591-G-A. GRCh37 (hg19) VCF-style: chr19-17897400-G-A.
Other names: c.2444G>A, p.Arg815Gln (NM_001161357.2, NM_001161358.2, NM_001384370.1 and 11 more transcripts); c.2294G>A, p.Arg765Gln (NM_001161359.2, NM_001384384.1, NM_001384385.1 and 1 more transcripts); c.2423G>A, p.Arg808Gln (NM_001384387.1); c.2405G>A, p.Arg802Gln (NM_001384388.1, NM_001384389.1); c.2369G>A, p.Arg790Gln (NM_001384390.1); c.2244G>A, p.Ala748= (NM_001384391.1); c.2327G>A, p.Arg776Gln (NM_001384392.1, NM_001384393.1, NM_001384394.1 and 1 more transcripts); c.2168G>A, p.Arg723Gln (NM_001384396.1, NM_001384397.1, NM_001384398.1 and 4 more transcripts); and 6 more; short protein forms R708Q, R723Q, R765Q, R802Q, R691Q, R790Q, R514Q, R776Q.
Identifiers: ClinVar variation 1435263 (VCV001435263.7), dbSNP rs375733884, ClinGen allele CA9300888.